The following is an entry in ClinVar:

ClinVar aggregate classification (germline): Uncertain significance. Review status: criteria provided, multiple submitters, no conflicts (2 of 4 stars). 2 submissions from 2 submitters: Uncertain significance (2). Last evaluated 2025-02-18.

Conditions:
Inborn genetic diseases. Identifiers: MedGen C0950123, MeSH D030342.

gnomAD v4.1: 1 of 1,613,934 alleles (0.000062%); no homozygotes.

Submissions (2):

GeneDx
Classification: Uncertain significance. Last evaluated: 2025-02-18. Review status: criteria provided, single submitter. Criteria: GeneDx Variant Classification Process June 2021. Collection method: clinical testing. Allele origin: germline. Affected: yes.
Comment: Not observed at significant frequency in large population cohorts (gnomAD); In silico analysis supports that this missense variant does not alter protein structure/function; Has not been previously published as pathogenic or benign to our knowledge

Ambry Genetics
Classification: Uncertain significance for Inborn genetic diseases. Last evaluated: 2024-03-16. Review status: criteria provided, single submitter. Criteria: Ambry Variant Classification Scheme 2023. Collection method: clinical testing. Allele origin: germline.

NM_030632.3(ASXL3):c.3116C>T (p.Thr1039Ile)

Gene: ASXL3 (ASXL transcriptional regulator 3; plus strand). Cytogenetic location: 18q12.1.
Variant type: single nucleotide variant.
Coding change: c.3116C>T on transcript NM_030632.3 (MANE Select); coding-DNA position 3116, C replaced by T.
Protein change: p.Thr1039Ile; replaces threonine 1039 with isoleucine.
Molecular consequence: missense variant.
Genome position (GRCh38, 1-based): chr18:33,742,964, C>T. VCF-style: chr18-33742964-C-T. GRCh37 (hg19) VCF-style: chr18-31322928-C-T.
Other names: short protein forms T1039I.
Identifiers: ClinVar variation 3319516 (VCV003319516.2).
Genomic context (GRCh38, chr18:33,742,964, plus strand): 5'-TTGGGCCACCTTTTATAATCAAGAGCCAACCAGTCTCCAAACCTGAGTCTCGAGCATCCA[C>T]TAGCACATCTGTCAGTGGCGGGAGGAACACAGGAGCCAGGACCCTCGCAGATATCAAGGC-3'
Protein context (NP_085135.1, residues 1029-1049): PVSKPESRAS[Thr1039Ile]STSVSGGRNT